The following is an entry in ClinVar:

ClinVar aggregate classification (germline): Uncertain significance. Review status: criteria provided, multiple submitters, no conflicts (2 of 4 stars). 3 submissions from 3 submitters: Uncertain significance (3). Last evaluated 2024-06-16.

Conditions:
Renal tubular acidosis with progressive nerve deafness. Also called: renal tubular acidosis, distal, 2, with progressive sensorineural hearing loss; RENAL TUBULAR ACIDOSIS, AUTOSOMAL RECESSIVE, WITH PROGRESSIVE NERVE DEAFNESS; RTA WITH PROGRESSIVE NERVE DEAFNESS; Distal Renal Tubular Acidosis with Progressive Sensorineural Deafness. Identifiers: MedGen C0403554, MONDO:0009968, OMIM 267300.
Inborn genetic diseases. Identifiers: MedGen C0950123, MeSH D030342.

Allele frequency attached by ClinVar (database versions not stated): gnomAD 0.00001 and 0.00002; gnomAD exomes 0.00001 and 0.00002; TOPMed 0.00001; ExAC 0.00002; 1000 Genomes Project 30x 0.00016; 1000 Genomes Project 0.00020.
gnomAD v4.1: 22 of 1,614,108 alleles (0.0014%); highest among the groups gnomAD compares: Middle Eastern, 0.016%; no homozygotes.

Submissions (3):

Ambry Genetics
Classification: Uncertain significance for Inborn genetic diseases. Last evaluated: 2024-06-16. Review status: criteria provided, single submitter. Criteria: Ambry Variant Classification Scheme 2023. Collection method: clinical testing. Allele origin: germline.

Fulgent Genetics
Classification: Uncertain significance for Renal tubular acidosis with progressive nerve deafness. Last evaluated: 2022-04-22. Review status: criteria provided, single submitter. Criteria: ACMG Guidelines, 2015. Collection method: clinical testing. Allele origin: unknown.

Labcorp Genetics (formerly Invitae), Labcorp
Classification: Uncertain significance. Last evaluated: 2021-09-17. Review status: criteria provided, single submitter. Criteria: Invitae Variant Classification Sherloc (09022015). Collection method: clinical testing. Allele origin: germline.
Comment: This sequence change replaces arginine with cysteine at codon 270 of the ATP6V1B1 protein (p.Arg270Cys). The arginine residue is highly conserved and there is a large physicochemical difference between arginine and cysteine. This variant is present in population databases (rs555708728, ExAC 0.02%). This variant has not been reported in the literature in individuals affected with ATP6V1B1-related conditions. Algorithms developed to predict the effect of missense changes on protein structure and function (SIFT, PolyPhen-2, Align-GVGD) all suggest that this variant is likely to be disruptive. In summary, the available evidence is currently insufficient to determine the role of this variant in disease. Therefore, it has been classified as a Variant of Uncertain Significance.

NM_001692.4(ATP6V1B1):c.808C>T (p.Arg270Cys)

Gene: ATP6V1B1 (ATPase H+ transporting V1 subunit B1; plus strand). Cytogenetic location: 2p13.3.
Variant type: single nucleotide variant.
Coding change: c.808C>T on transcript NM_001692.4 (MANE Select); coding-DNA position 808, C replaced by T.
Protein change: p.Arg270Cys; replaces arginine 270 with cysteine.
Molecular consequence: missense variant.
Genome position (GRCh38, 1-based): chr2:70,962,799, C>T. VCF-style: chr2-70962799-C-T. GRCh37 (hg19) VCF-style: chr2-71189929-C-T.
Other names: c.808C>T (NM_001692.3); short protein forms R270C.
Identifiers: ClinVar variation 1432782 (VCV001432782.7), dbSNP rs555708728, ClinGen allele CA1701175.